The following is an entry in ClinVar:

NM_006265.3(RAD21):c.170G>T (p.Gly57Val)

Gene: RAD21 (RAD21 cohesin complex component; minus strand). Cytogenetic location: 8q24.11.
Variant type: single nucleotide variant.
Coding change: c.170G>T on transcript NM_006265.3 (MANE Select); coding-DNA position 170, G replaced by T.
Protein change: p.Gly57Val; replaces glycine 57 with valine.
Molecular consequence: missense variant.
Genome position (GRCh38, 1-based): chr8:116,863,234, C>A on the plus strand (G>T on the coding strand, the complement: RAD21 is on the minus strand). VCF-style: chr8-116863234-C-A. GRCh37 (hg19) VCF-style: chr8-117875473-C-A.
Other names: short protein forms G57V.
Identifiers: ClinVar variation 4074353 (VCV004074353.1).

ClinVar aggregate classification (germline): Uncertain significance (1 of 4 stars; one submission).

Submission:

GeneDx
Classification: Uncertain significance. Last evaluated: 2025-02-10. Review status: criteria provided, single submitter. Criteria: GeneDx Variant Classification Process June 2021. Collection method: clinical testing. Allele origin: germline. Affected: yes.
Comment: Not observed at significant frequency in large population cohorts (gnomAD); In silico analysis supports that this missense variant has a deleterious effect on protein structure/function; Has not been previously published as pathogenic or benign to our knowledge